The following is an entry in ClinVar:

ClinVar aggregate classification (germline): Uncertain significance (1 of 4 stars; one submission).

Submission:

GeneDx
Classification: Uncertain significance. Last evaluated: 2026-04-03. Review status: criteria provided, single submitter. Criteria: GeneDx Variant Classification Process June 2021. Collection method: clinical testing. Allele origin: germline.
Comment: Not observed at significant frequency in large population cohorts (gnomAD); In silico analysis supports that this missense variant has a deleterious effect on protein structure/function; Has not been previously published as pathogenic or benign to our knowledge; Not located in one of the three hot-spot regions of the RYR2 gene, where the majority of pathogenic missense variants occur (PMID: 19926015); This variant is associated with the following publications: (PMID: 19926015)

NM_001035.3(RYR2):c.3334G>A (p.Asp1112Asn)

Gene: RYR2 (ryanodine receptor 2; plus strand). Cytogenetic location: 1q43.
Variant type: single nucleotide variant.
Coding change: c.3334G>A on transcript NM_001035.3 (MANE Select); coding-DNA position 3334, G replaced by A.
Protein change: p.Asp1112Asn; replaces aspartic acid 1112 with asparagine.
Molecular consequence: missense variant.
Genome position (GRCh38, 1-based): chr1:237,566,686, G>A. VCF-style: chr1-237566686-G-A. GRCh37 (hg19) VCF-style: chr1-237729986-G-A.
Other names: short protein forms D1112N.
Identifiers: ClinVar variation 5018110 (VCV005018110.1).